The following is an entry in ClinVar:

NM_020937.4(FANCM):c.4231TTA[1] (p.Leu1412del)

Gene: FANCM (FA complementation group M; plus strand). Cytogenetic location: 14q21.2.
Variant type: Microsatellite.
Coding change: c.4231TTA[1] on transcript NM_020937.4 (MANE Select); one copy of the 3-base unit TTA starting at c.4231; the reference has two copies in a row; one copy, 3 bases deleted.
Protein change: p.Leu1412del; deletes leucine 1412.
Molecular consequence: inframe deletion.
Genome position (GRCh38, 1-based): chr14:45,181,441-45,181,443, TTA deleted; deleting any 3 consecutive bases within chr14:45,181,437-45,181,443 gives the same sequence; the position shown is the placement nearest the transcript's 3' end. VCF-style (leftmost placement, unchanged base first): chr14-45181436-AATT-A. GRCh37 (hg19) VCF-style: chr14-45650639-AATT-A.
Other names: c.4153TTA[1], p.Leu1386del (NM_001308133.2); short protein forms L1386del, L1412del.
Identifiers: ClinVar variation 971012 (VCV000971012.9), dbSNP rs1889061790, ClinGen allele CA2133620955.

ClinVar aggregate classification (germline): Uncertain significance (1 of 4 stars; one submission).

Conditions:
Fanconi anemia (FA). Also called: Fanconi's anemia. Identifiers: Orphanet 84, MedGen C0015625, MeSH D005199, MONDO:0019391.

Submission:

Labcorp Genetics (formerly Invitae), Labcorp
Classification: Uncertain significance for Fanconi anemia. Last evaluated: 2019-10-13. Review status: criteria provided, single submitter. Criteria: Invitae Variant Classification Sherloc (09022015). Collection method: clinical testing. Allele origin: germline.
Comment: In summary, the available evidence is currently insufficient to determine the role of this variant in disease. Therefore, it has been classified as a Variant of Uncertain Significance. This variant, c.4234_4236del, results in the deletion of 1 amino acid(s) of the FANCM protein (p.Leu1412del), but otherwise preserves the integrity of the reading frame. This variant is not present in population databases (ExAC no frequency). This variant has not been reported in the literature in individuals with FANCM-related conditions. Experimental studies and prediction algorithms are not available or were not evaluated, and the functional significance of this variant is currently unknown.